The following is an entry in ClinVar:

NM_001278669.2(NFATC1):c.1088C>T (p.Pro363Leu)

Gene: NFATC1 (nuclear factor of activated T cells 1; plus strand). Cytogenetic location: 18q23.
Variant type: single nucleotide variant.
Coding change: c.1088C>T on transcript NM_001278669.2 (MANE Select); coding-DNA position 1088, C replaced by T.
Protein change: p.Pro363Leu; replaces proline 363 with leucine.
Molecular consequence: missense variant. On other transcripts: intron variant (2).
Genome position (GRCh38, 1-based): chr18:79,411,363, C>T. VCF-style: chr18-79411363-C-T. GRCh37 (hg19) VCF-style: chr18-77171363-C-T.
Other names: c.1088C>T, p.Pro363Leu (NM_001278670.2, NM_006162.5, NM_172390.3); c.1049C>T, p.Pro350Leu (NM_001278672.2, NM_001278675.2, NM_172387.3 and 1 more transcripts); c.-191+15012C>T (NM_172388.3); c.-191+10884C>T (NM_001278673.2); c.1049C>T (NM_172387.1); short protein forms P350L, P363L.
Identifiers: ClinVar variation 2723365 (VCV002723365.4), dbSNP rs372110997, ClinGen allele CA9009029.
Genomic context (GRCh38, chr18:79,411,363, plus strand): 5'-CGCCCTCAGTGGCGCTCAAGGTGGAGCCCGTCGGGGAGGACCTGGGCAGCCCCCCGCCCC[C>T]GGCCGACTTCGCGCCCGAAGACTACTCCTCTTTCCAGCACATCAGGAAGGGCGGCTTCTG-3'
Protein context (NP_001265598.1, residues 353-373): VGEDLGSPPP[Pro363Leu]ADFAPEDYSS

ClinVar aggregate classification (germline): Uncertain significance. Review status: criteria provided, multiple submitters, no conflicts (2 of 4 stars). 2 submissions from 2 submitters: Uncertain significance (2). Last evaluated 2024-10-12.

Allele frequency attached by ClinVar (database versions not stated): gnomAD exomes 0.00002; ExAC 0.00005; gnomAD 0.00006; TOPMed 0.00008; 1000 Genomes Project 30x 0.00016.
gnomAD v4.1: 44 of 1,588,308 alleles (0.0028%); highest among the groups gnomAD compares: African/African-American, 0.028%; no homozygotes.

Submissions (2):

Ambry Genetics
Classification: Uncertain significance. Last evaluated: 2024-10-12. Review status: criteria provided, single submitter. Criteria: Ambry Variant Classification Scheme 2023. Collection method: clinical testing. Allele origin: germline.

Labcorp Genetics (formerly Invitae), Labcorp
Classification: Uncertain significance. Last evaluated: 2023-05-20. Review status: criteria provided, single submitter. Criteria: Invitae Variant Classification Sherloc (09022015). Collection method: clinical testing. Allele origin: germline.
Comment: This variant is present in population databases (rs372110997, gnomAD 0.02%). This sequence change replaces proline, which is neutral and non-polar, with leucine, which is neutral and non-polar, at codon 363 of the NFATC1 protein (p.Pro363Leu). In summary, the available evidence is currently insufficient to determine the role of this variant in disease. Therefore, it has been classified as a Variant of Uncertain Significance. This variant has not been reported in the literature in individuals affected with NFATC1-related conditions. An algorithm developed to predict the effect of missense changes on protein structure and function (PolyPhen-2) suggests that this variant is likely to be tolerated.